The following is an entry in ClinVar:

ClinVar aggregate classification (germline): Uncertain significance (1 of 4 stars; one submission).

gnomAD v4.1: 8 of 1,614,134 alleles (0.0005%); highest among the groups gnomAD compares: South Asian, 0.0088%; no homozygotes.

Submission:

Labcorp Genetics (formerly Invitae), Labcorp
Classification: Uncertain significance. Last evaluated: 2024-08-13. Review status: criteria provided, single submitter. Criteria: Invitae Variant Classification Sherloc (09022015). Collection method: clinical testing. Allele origin: germline.
Comment: This sequence change replaces glycine, which is neutral and non-polar, with glutamic acid, which is acidic and polar, at codon 749 of the SLCO5A1 protein (p.Gly749Glu). This variant is present in population databases (rs770600931, gnomAD 0.006%). This variant has not been reported in the literature in individuals affected with SLCO5A1-related conditions. An algorithm developed to predict the effect of missense changes on protein structure and function (PolyPhen-2) suggests that this variant is likely to be disruptive. In summary, the available evidence is currently insufficient to determine the role of this variant in disease. Therefore, it has been classified as a Variant of Uncertain Significance.

NM_030958.3(SLCO5A1):c.2246G>A (p.Gly749Glu)

Gene: SLCO5A1 (solute carrier organic anion transporter family member 5A1; minus strand). Cytogenetic location: 8q13.3.
Variant type: single nucleotide variant.
Coding change: c.2246G>A on transcript NM_030958.3 (MANE Select); coding-DNA position 2246, G replaced by A.
Protein change: p.Gly749Glu; replaces glycine 749 with glutamic acid.
Molecular consequence: missense variant. On other transcripts: 3 prime UTR variant (1).
Genome position (GRCh38, 1-based): chr8:69,673,170, C>T on the plus strand (G>A on the coding strand, the complement: SLCO5A1 is on the minus strand). VCF-style: chr8-69673170-C-T. GRCh37 (hg19) VCF-style: chr8-70585405-C-T.
Other names: c.*117G>A (NM_001146008.2); c.2081G>A, p.Gly694Glu (NM_001146009.1); short protein forms G694E, G749E.
Identifiers: ClinVar variation 3707455 (VCV003707455.2).